The following is an entry in ClinVar:

ClinVar aggregate classification (germline): Uncertain significance (1 of 4 stars; one submission).

Conditions:
Adams-Oliver syndrome 5 (AOS5). Identifiers: Orphanet 974, MedGen C4014970, MONDO:0014459, OMIM 616028.

Submission:

Labcorp Genetics (formerly Invitae), Labcorp
Classification: Uncertain significance for Adams-Oliver syndrome 5. Last evaluated: 2026-01-23. Review status: criteria provided, single submitter. Criteria: Invitae Variant Classification Sherloc (09022015). Collection method: clinical testing. Allele origin: germline.
Comment: This sequence change replaces proline, which is neutral and non-polar, with serine, which is neutral and polar, at codon 574 of the NOTCH1 protein (p.Pro574Ser). This variant is not present in population databases (gnomAD no frequency). This variant has not been reported in the literature in individuals affected with NOTCH1-related conditions. ClinVar contains an entry for this variant (Variation ID: 3703319). Invitae Evidence Modeling of protein sequence and biophysical properties (such as structural, functional, and spatial information, amino acid conservation, physicochemical variation, residue mobility, and thermodynamic stability) indicates that this missense variant is not expected to disrupt NOTCH1 protein function with a negative predictive value of 95%. In summary, the available evidence is currently insufficient to determine the role of this variant in disease. Therefore, it has been classified as a Variant of Uncertain Significance.

NM_017617.5(NOTCH1):c.1720C>T (p.Pro574Ser)

Gene: NOTCH1 (notch receptor 1; minus strand). Cytogenetic location: 9q34.3.
Variant type: single nucleotide variant.
Coding change: c.1720C>T on transcript NM_017617.5 (MANE Select); coding-DNA position 1720, C replaced by T.
Protein change: p.Pro574Ser; replaces proline 574 with serine.
Molecular consequence: missense variant.
Genome position (GRCh38, 1-based): chr9:136,515,666, G>A on the plus strand (C>T on the coding strand, the complement: NOTCH1 is on the minus strand). VCF-style: chr9-136515666-G-A. GRCh37 (hg19) VCF-style: chr9-139410118-G-A.
Other names: short protein forms P574S.
Identifiers: ClinVar variation 3703319 (VCV003703319.2).